The following is an entry in ClinVar:

ClinVar aggregate classification (germline): Uncertain significance. Review status: criteria provided, multiple submitters, no conflicts (2 of 4 stars). 2 submissions from 2 submitters: Uncertain significance (2). Last evaluated 2025-11-18.

Allele frequency attached by ClinVar (database versions not stated): gnomAD 0.00001; gnomAD exomes 0.00001; TOPMed 0.00002; ExAC 0.00003.
gnomAD v4.1: 19 of 1,612,664 alleles (0.0012%); highest among the groups gnomAD compares: East Asian, 0.018%; no homozygotes.

Submissions (2):

Labcorp Genetics (formerly Invitae), Labcorp
Classification: Uncertain significance. Last evaluated: 2025-11-18. Review status: criteria provided, single submitter. Criteria: Invitae Variant Classification Sherloc (09022015). Collection method: clinical testing. Allele origin: germline.
Comment: This sequence change replaces glutamic acid, which is acidic and polar, with glutamine, which is neutral and polar, at codon 24 of the POLR3B protein (p.Glu24Gln). This variant is present in population databases (rs759363091, gnomAD 0.02%). This variant has not been reported in the literature in individuals affected with POLR3B-related conditions. ClinVar contains an entry for this variant (Variation ID: 1952840). An algorithm developed to predict the effect of missense changes on protein structure and function (PolyPhen-2) suggests that this variant is likely to be tolerated. In summary, the available evidence is currently insufficient to determine the role of this variant in disease. Therefore, it has been classified as a Variant of Uncertain Significance.

GeneDx
Classification: Uncertain significance. Last evaluated: 2024-01-22. Review status: criteria provided, single submitter. Criteria: GeneDx Variant Classification Process June 2021. Collection method: clinical testing. Allele origin: germline. Affected: yes.
Comment: In silico analysis supports that this missense variant does not alter protein structure/function; Has not been previously published as pathogenic or benign to our knowledge

NM_018082.6(POLR3B):c.70G>C (p.Glu24Gln)

Gene: POLR3B (RNA polymerase III subunit B; plus strand). Cytogenetic location: 12q23.3.
Variant type: single nucleotide variant.
Coding change: c.70G>C on transcript NM_018082.6 (MANE Select); coding-DNA position 70, G replaced by C.
Protein change: p.Glu24Gln; replaces glutamic acid 24 with glutamine.
Molecular consequence: missense variant.
Genome position (GRCh38, 1-based): chr12:106,357,949, G>C. VCF-style: chr12-106357949-G-C. GRCh37 (hg19) VCF-style: chr12-106751727-G-C.
Other names: c.70G>C (NM_018082.5); short protein forms E24Q.
Identifiers: ClinVar variation 1952840 (VCV001952840.6), dbSNP rs759363091, ClinGen allele CA6761553.